The following is an entry in ClinVar:

ClinVar aggregate classification (germline): Uncertain significance (1 of 4 stars; one submission).

Allele frequency attached by ClinVar (database versions not stated): TOPMed 0.00001; ExAC 0.00005.

Submission:

Labcorp Genetics (formerly Invitae), Labcorp
Classification: Uncertain significance. Last evaluated: 2025-09-11. Review status: criteria provided, single submitter. Criteria: Invitae Variant Classification Sherloc (09022015). Collection method: clinical testing. Allele origin: germline.
Comment: This sequence change replaces proline, which is neutral and non-polar, with leucine, which is neutral and non-polar, at codon 654 of the FMN1 protein (p.Pro654Leu). This variant is present in population databases (rs763346031, gnomAD 0.03%). This variant has not been reported in the literature in individuals affected with FMN1-related conditions. ClinVar contains an entry for this variant (Variation ID: 2713735). An algorithm developed to predict the effect of missense changes on protein structure and function outputs the following: PolyPhen-2: "Not Available". The leucine amino acid residue is found in multiple mammalian species, which suggests that this missense change does not adversely affect protein function. In summary, the available evidence is currently insufficient to determine the role of this variant in disease. Therefore, it has been classified as a Variant of Uncertain Significance.

NM_001277313.2(FMN1):c.2630C>T (p.Pro877Leu)

Gene: FMN1 (formin 1; minus strand). Cytogenetic location: 15q13.3.
Variant type: single nucleotide variant.
Coding change: c.2630C>T on transcript NM_001277313.2 (MANE Select); coding-DNA position 2630, C replaced by T.
Protein change: p.Pro877Leu; replaces proline 877 with leucine.
Molecular consequence: missense variant.
Genome position (GRCh38, 1-based): chr15:32,969,071, G>A on the plus strand (C>T on the coding strand, the complement: FMN1 is on the minus strand). VCF-style: chr15-32969071-G-A. GRCh37 (hg19) VCF-style: chr15-33261272-G-A.
Other names: c.1961C>T, p.Pro654Leu (NM_001103184.4); short protein forms P654L, P877L.
Identifiers: ClinVar variation 2713735 (VCV002713735.3), dbSNP rs763346031, ClinGen allele CA7456908.
Genomic context (GRCh38, chr15:32,969,071, plus strand): 5'-ACAGGTGGCATTGGAGGTGCGGGAGACAAAGATCCAAGTCCTGAGGGGAGGGGCGGAGGG[G>A]GAGGGATGGATGCGGGAGGCGGAGGCAATGCCTTCTGCTGATTTGATGCCATGCCCTCCA-3'
Protein context (NP_001264242.1, residues 867-887): ALPPPPASIP[Pro877Leu]PPPLPSGLGS